The following is an entry in ClinVar:

ClinVar aggregate classification (germline): Uncertain significance (1 of 4 stars; one submission).

gnomAD v4.1: 1 of 1,612,530 alleles (0.000062%); highest among the groups gnomAD compares: Non-Finnish European, 0.000085%; no homozygotes.

Submission:

Labcorp Genetics (formerly Invitae), Labcorp
Classification: Uncertain significance. Last evaluated: 2025-01-06. Review status: criteria provided, single submitter. Criteria: Invitae Variant Classification Sherloc (09022015). Collection method: clinical testing. Allele origin: germline.
Comment: This sequence change replaces valine, which is neutral and non-polar, with isoleucine, which is neutral and non-polar, at codon 143 of the SCN3A protein (p.Val143Ile). This variant is not present in population databases (gnomAD no frequency). This variant has not been reported in the literature in individuals affected with SCN3A-related conditions. ClinVar contains an entry for this variant (Variation ID: 1045323). Invitae Evidence Modeling of protein sequence and biophysical properties (such as structural, functional, and spatial information, amino acid conservation, physicochemical variation, residue mobility, and thermodynamic stability) indicates that this missense variant is not expected to disrupt SCN3A protein function with a negative predictive value of 80%. In summary, the available evidence is currently insufficient to determine the role of this variant in disease. Therefore, it has been classified as a Variant of Uncertain Significance.

NM_006922.4(SCN3A):c.427G>A (p.Val143Ile)

Gene: SCN3A (sodium voltage-gated channel alpha subunit 3; minus strand). Cytogenetic location: 2q24.3.
Variant type: single nucleotide variant.
Coding change: c.427G>A on transcript NM_006922.4 (MANE Select); coding-DNA position 427, G replaced by A.
Protein change: p.Val143Ile; replaces valine 143 with isoleucine.
Molecular consequence: missense variant.
Genome position (GRCh38, 1-based): chr2:165,168,782, C>T on the plus strand (G>A on the coding strand, the complement: SCN3A is on the minus strand). VCF-style: chr2-165168782-C-T. GRCh37 (hg19) VCF-style: chr2-166025292-C-T.
Other names: c.427G>A, p.Val143Ile (NM_001081676.2, NM_001081677.2); short protein forms V143I.
Identifiers: ClinVar variation 1045323 (VCV001045323.8), dbSNP rs1689933171, ClinGen allele CA349240290.
Genomic context (GRCh38, chr2:165,168,782, plus strand): 5'-TTATTCCTACTTACTCTACATTCTTTGTCCAGTCAGGAGGGTTGCTCAAGGTCATAAATA[C>T]ACAGTTGGTCAAAATAGTGCACATGATAAGCATGCTGAATAAAGTAGATTATAGTTAAGG-3'
Protein context (NP_008853.3, residues 133-153): LIMCTILTNC[Val143Ile]FMTLSNPPDW